The following is an entry in ClinVar:

ClinVar aggregate classification (germline): Pathogenic (1 of 4 stars; one submission).

Submission:

GeneDx
Classification: Pathogenic. Last evaluated: 2012-11-05. Review status: criteria provided, single submitter. Criteria: GeneDx Variant Classification (06012015). Collection method: clinical testing. Allele origin: germline. Affected: yes.
Comment: p.Cys175Stop (TGT>TGA): c.525 T>A in exon 4 of the FBN2 gene (NM_001999.3) The Cys175Stop mutation in the FBN2 gene has not been reported as a disease-causing mutation or as benign polymorphism to our knowledge. Cys175Stop is predicted to cause loss of normal protein function either by protein truncation or nonsense-mediated mRNA decay. Another nonsense mutation in the FBN2 gene (Tyr1432Stop) has been reported in association with congenital contractural arachnodactyly. In summary, Cys175Stop in the FBN2 gene is interpreted as a disease-causing mutation.This variant was found in TAAD

NM_001999.4(FBN2):c.525T>A (p.Cys175Ter)

Gene: FBN2 (fibrillin 2; minus strand). Cytogenetic location: 5q23.3.
Variant type: single nucleotide variant.
Coding change: c.525T>A on transcript NM_001999.4 (MANE Select); coding-DNA position 525, T replaced by A.
Protein change: p.Cys175Ter; replaces cysteine 175 with a stop codon.
Molecular consequence: nonsense.
Genome position (GRCh38, 1-based): chr5:128,527,879, A>T on the plus strand (T>A on the coding strand, the complement: FBN2 is on the minus strand). VCF-style: chr5-128527879-A-T. GRCh37 (hg19) VCF-style: chr5-127863572-A-T.
Other names: short protein forms C175*.
Identifiers: ClinVar variation 213262 (VCV000213262.2), dbSNP rs863223547, ClinGen allele CA321049.